The following is an entry in ClinVar:

ClinVar aggregate classification (germline): Pathogenic (1 of 4 stars; one submission).

Allele frequency attached by ClinVar (database versions not stated): gnomAD exomes below 0.00001.
gnomAD v4.1: 5 of 1,612,214 alleles (0.00031%); highest among the groups gnomAD compares: Admixed American, 0.0017%; no homozygotes.

Submission:

Labcorp Genetics (formerly Invitae), Labcorp
Classification: Pathogenic. Last evaluated: 2022-02-03. Review status: criteria provided, single submitter. Criteria: Invitae Variant Classification Sherloc (09022015). Collection method: clinical testing. Allele origin: germline.
Comment: This sequence change creates a premature translational stop signal (p.Arg73*) in the SMARCD2 gene. It is expected to result in an absent or disrupted protein product. Loss-of-function variants in SMARCD2 are known to be pathogenic (PMID: 28369036). This variant is not present in population databases (gnomAD no frequency). This variant has not been reported in the literature in individuals affected with SMARCD2-related conditions. For these reasons, this variant has been classified as Pathogenic.

Literature cited by the submitters: PubMed 28369036.

NM_001098426.2(SMARCD2):c.217C>T (p.Arg73Ter)

Gene: SMARCD2 (SWI/SNF related BAF chromatin remodeling complex subunit D2; minus strand). Cytogenetic location: 17q23.3.
Variant type: single nucleotide variant.
Coding change: c.217C>T on transcript NM_001098426.2 (MANE Select); coding-DNA position 217, C replaced by T.
Protein change: p.Arg73Ter; replaces arginine 73 with a stop codon.
Molecular consequence: nonsense. On other transcripts: 5 prime UTR variant (1).
Genome position (GRCh38, 1-based): chr17:63,837,625, G>A on the plus strand (C>T on the coding strand, the complement: SMARCD2 is on the minus strand). VCF-style: chr17-63837625-G-A. GRCh37 (hg19) VCF-style: chr17-61914985-G-A.
Other names: c.-9C>T (NM_001330439.1); c.73C>T, p.Arg25Ter (NM_001330440.2); short protein forms R73*, R25*.
Identifiers: ClinVar variation 1382738 (VCV001382738.6), dbSNP rs2144634829, ClinGen allele CA400601814.